The following is an entry in ClinVar:

NM_002890.3(RASA1):c.132_152delinsACAGCGAAACTCCATCTCTCAAAAAAAAAAAAAAAAAAAAAGAAGTCTACTAAAAACAGTTTTTTTTAACTACAATATCCTAAATATACCTAATTTAGTTATAAACTAGCATAAGACTAGATTCTTTCAGTATGAAAAGTT (p.Ala45_Gly51delinsGlnArgAsnSerIleSerGlnLysLysLysLysLysLysArgSerLeuLeuLysThrValPhePheAsnTyrAsnIleLeuAsnIleProAsnLeuValIleAsnTer)

Gene: RASA1 (RAS p21 protein activator 1; plus strand). Cytogenetic location: 5q14.3.
Variant type: Indel.
Coding change: c.132_152delinsACAGCGAAACTCCATCTCTCAAAAAAAAAAAAAAAAAAAAAGAAGTCTACTAAAAACAGTTTTTTTTAACTACAATATCCTAAATATACCTAATTTAGTTATAAACTAGCATAAGACTAGATTCTTTCAGTATGAAAAGTT on transcript NM_002890.3 (MANE Select); coding-DNA positions 132 to 152, the reference bases replaced by an inserted sequence.
Protein change: p.Ala45_Gly51delinsGlnArgAsnSerIleSerGlnLysLysLysLysLysLysArgSerLeuLeuLysThrValPhePheAsnTyrAsnIleLeuAsnIleProAsnLeuValIleAsnTer.
Molecular consequence: nonsense.
Genome position (GRCh38, 1-based): chr5:87,268,583-87,268,603, 21 bases replaced. GRCh37 (hg19): chr5:86,564,400-86,564,420.
Identifiers: ClinVar variation 2001727 (VCV002001727.4), dbSNP rs2531002366, ClinGen allele CA2580073664.

ClinVar aggregate classification (germline): Pathogenic (1 of 4 stars; one submission).

Conditions:
Capillary malformation-arteriovenous malformation syndrome. Also called: Capillary malformation-arteriovenous malformation. Identifiers: Orphanet 137667, MedGen C1842180, MONDO:0012016.

Submission:

Labcorp Genetics (formerly Invitae), Labcorp
Classification: Pathogenic for Capillary malformation-arteriovenous malformation syndrome. Last evaluated: 2022-06-01. Review status: criteria provided, single submitter. Criteria: Invitae Variant Classification Sherloc (09022015). Collection method: clinical testing. Allele origin: germline.
Comment: For these reasons, this variant has been classified as Pathogenic. This variant has not been reported in the literature in individuals affected with RASA1-related conditions. This variant is not present in population databases (gnomAD no frequency). This sequence change creates a premature translational stop signal (p.Ala45_Gly51delins35*) in the RASA1 gene. It is expected to result in an absent or disrupted protein product. Loss-of-function variants in RASA1 are known to be pathogenic (PMID: 24038909).

Literature cited by the submitters: PubMed 24038909.